The following is an entry in ClinVar:

ClinVar aggregate classification (germline): Conflicting classifications of pathogenicity. Review status: criteria provided, conflicting classifications (1 of 4 stars). 3 submissions from 3 submitters: Uncertain significance (2); Likely benign (1). Last evaluated 2026-06-01.

Conditions:
Holoprosencephaly 9 (HPE9). Also called: HOLOPROSENCEPHALY WITH MICROPHTHALMIA AND FIRST BRANCHIAL ARCH ANOMALIES; PITUITARY ANOMALIES WITH HOLOPROSENCEPHALY-LIKE FEATURES. Identifiers: Orphanet 2162, MedGen C1835819, MONDO:0012563, OMIM 610829.
Postaxial polydactyly-anterior pituitary anomalies-facial dysmorphism syndrome. Also called: Culler-Jones syndrome. Identifiers: Orphanet 420584, MedGen C4014479, MONDO:0014369, OMIM 615849.
Inborn genetic diseases. Identifiers: MedGen C0950123, MeSH D030342.

Allele frequency attached by ClinVar (database versions not stated): gnomAD 0.00001; TOPMed 0.00001; ExAC 0.00002; 1000 Genomes Project 30x 0.00016; 1000 Genomes Project 0.00020.
gnomAD v4.1: 17 of 1,614,118 alleles (0.0011%); highest among the groups gnomAD compares: South Asian, 0.0066%; no homozygotes.

Submissions (3):

CeGaT Center for Human Genetics Tuebingen
Classification: Likely benign. Last evaluated: 2026-06-01. Review status: criteria provided, single submitter. Criteria: CeGaT Center For Human Genetics Tuebingen Variant Classification Criteria Version 2. Collection method: clinical testing. Allele origin: germline. Affected: yes. Observed: 1 variant allele.
Comment: GLI2: BP4

Ambry Genetics
Classification: Uncertain significance for Inborn genetic diseases. Last evaluated: 2025-10-02. Review status: criteria provided, single submitter. Criteria: Ambry Variant Classification Scheme 2023. Collection method: clinical testing. Allele origin: germline.

Labcorp Genetics (formerly Invitae), Labcorp
Classification: Uncertain significance for Postaxial polydactyly-anterior pituitary anomalies-facial dysmorphism syndrome; Holoprosencephaly 9. Last evaluated: 2024-09-19. Review status: criteria provided, single submitter. Criteria: Invitae Variant Classification Sherloc (09022015). Collection method: clinical testing. Allele origin: germline.
Comment: This sequence change replaces leucine, which is neutral and non-polar, with proline, which is neutral and non-polar, at codon 324 of the GLI2 protein (p.Leu324Pro). This variant is present in population databases (rs144970612, gnomAD 0.006%). This variant has not been reported in the literature in individuals affected with GLI2-related conditions. ClinVar contains an entry for this variant (Variation ID: 2080980). An algorithm developed to predict the effect of missense changes on protein structure and function outputs the following: PolyPhen-2: "Probably Damaging". The proline amino acid residue is found in multiple mammalian species, which suggests that this missense change does not adversely affect protein function. In summary, the available evidence is currently insufficient to determine the role of this variant in disease. Therefore, it has been classified as a Variant of Uncertain Significance.

NM_001374353.1(GLI2):c.971T>C (p.Leu324Pro)

Gene: GLI2 (GLI family zinc finger 2; plus strand). Cytogenetic location: 2q14.2.
Variant type: single nucleotide variant.
Coding change: c.971T>C on transcript NM_001374353.1 (MANE Select); coding-DNA position 971, T replaced by C.
Protein change: p.Leu324Pro; replaces leucine 324 with proline.
Molecular consequence: missense variant.
Genome position (GRCh38, 1-based): chr2:120,970,518, T>C. VCF-style: chr2-120970518-T-C. GRCh37 (hg19) VCF-style: chr2-121728094-T-C.
Other names: c.971T>C, p.Leu324Pro (NM_001371271.1, NM_005270.5); c.596T>C, p.Leu199Pro (NM_001374354.1); c.971T>C (NM_005270.4); short protein forms L324P, L199P.
Identifiers: ClinVar variation 2080980 (VCV002080980.7), dbSNP rs144970612, ClinGen allele CA1851722.